The following is an entry in ClinVar:

NC_000017.10:g.(?_78082476)_(78090745_?)del

Gene: GAA (alpha glucosidase; plus strand). Cytogenetic location: 17q25.3.
Variant type: Deletion.
Identifiers: ClinVar variation 3242836 (VCV003242836.1).

ClinVar aggregate classification (germline): Pathogenic (1 of 4 stars; one submission).

Conditions:
Glycogen storage disease, type II (IOPD). Also called: CARDIOMEGALIA GLYCOGENICA DIFFUSA; GLYCOGENOSIS, GENERALIZED, CARDIAC FORM; GSD II; Glycogen storage disease type 2; Acid maltase deficiency disease; Aglucosidase alfa. Identifiers: Orphanet 365, MedGen C0017921, MONDO:0009290, OMIM 232300.

Submission:

Labcorp Genetics (formerly Invitae), Labcorp
Classification: Pathogenic for Glycogen storage disease, type II. Last evaluated: 2023-12-21. Review status: criteria provided, single submitter. Criteria: Invitae Variant Classification Sherloc (09022015). Collection method: clinical testing. Allele origin: unknown.
Comment: This variant is a gross deletion of the genomic region encompassing exon(s) 8-15 of the GAA gene. This deletion is out-of-frame, and is expected to create a premature termination codon and result in an absent or disrupted protein product. Loss-of-function variants in GAA are known to be pathogenic (PMID: 18425781, 22252923). A similar copy number variant has been observed in individual(s) with Pompe disease (PMID: 11854868, 29122469). In at least one individual the data is consistent with being in trans (on the opposite chromosome) from a pathogenic variant. This variant is also known as IVS7-IVS15del. For these reasons, this variant has been classified as Pathogenic.

Literature cited by the submitters: PubMed 18425781; PubMed 22252923; PubMed 11854868; PubMed 29122469.